The following is an entry in ClinVar:

NM_000370.3(TTPA):c.645_646del (p.Glu216fs)

Gene: TTPA (alpha tocopherol transfer protein; minus strand). Cytogenetic location: 8q12.3.
Variant type: Deletion.
Coding change: c.645_646del on transcript NM_000370.3 (MANE Select); coding-DNA positions 645 to 646, 2 bases deleted (TG; older notation c.645_646delTG).
Protein change: p.Glu216fs; shifts the reading frame from glutamic acid 216.
Molecular consequence: frameshift variant.
Genome position (GRCh38, 1-based): chr8:63,064,223-63,064,224, CA deleted on the plus strand (TG on the coding strand, the reverse complement: TTPA is on the minus strand). VCF-style (leftmost placement, unchanged base first): chr8-63064222-TCA-T. GRCh37 (hg19) VCF-style: chr8-63976781-TCA-T.
Other names: short protein forms E216fs.
Identifiers: ClinVar variation 624328 (VCV000624328.43), dbSNP rs1563678770, ClinGen allele CA913189707.

ClinVar aggregate classification (germline): Likely pathogenic (1 of 4 stars; one submission).

Submission:

CeGaT Center for Human Genetics Tuebingen
Classification: Likely pathogenic. Last evaluated: 2022-06-01. Review status: criteria provided, single submitter. Criteria: CeGaT Center For Human Genetics Tuebingen Variant Classification Criteria Version 2. Collection method: clinical testing. Allele origin: germline. Affected: yes. Observed: 2 variant alleles.
Comment: TTPA: PVS1:Strong, PM2, PM3:Supporting